The following is an entry in ClinVar:

NM_014889.4(PITRM1):c.1817C>A (p.Thr606Lys)

Gene: PITRM1 (pitrilysin metallopeptidase 1; minus strand). Cytogenetic location: 10p15.2.
Variant type: single nucleotide variant.
Coding change: c.1817C>A on transcript NM_014889.4 (MANE Select); coding-DNA position 1817, C replaced by A.
Protein change: p.Thr606Lys; replaces threonine 606 with lysine.
Molecular consequence: missense variant. On other transcripts: non-coding transcript variant (4).
Genome position (GRCh38, 1-based): chr10:3,149,675, G>T on the plus strand (C>A on the coding strand, the complement: PITRM1 is on the minus strand). VCF-style: chr10-3149675-G-T. GRCh37 (hg19) VCF-style: chr10-3191867-G-T.
Other names: c.1817C>A, p.Thr606Lys (NM_001242307.2, NM_001347725.2); c.1721C>A, p.Thr574Lys (NM_001242309.1); c.1202C>A, p.Thr401Lys (NM_001347726.2, NM_001347727.2); c.512C>A, p.Thr171Lys (NM_001347728.2); c.1793C>A, p.Thr598Lys (NM_001347729.1, NM_001347730.1); short protein forms T598K, T401K, T574K, T171K, T606K.
Identifiers: ClinVar variation 2078642 (VCV002078642.30), dbSNP rs760158953, ClinGen allele CA5387671.

ClinVar aggregate classification (germline): Uncertain significance. Review status: criteria provided, multiple submitters, no conflicts (2 of 4 stars). 4 submissions from 4 submitters: Uncertain significance (4). Last evaluated 2024-08-13.

Allele frequency attached by ClinVar (database versions not stated): TOPMed 0.00010.

Submissions (4):

Blueprint Genetics
Classification: Uncertain significance. Last evaluated: 2024-08-13. Review status: criteria provided, single submitter. Criteria: ACMG Guidelines, 2015. Collection method: clinical testing. Allele origin: germline.

CeGaT Center for Human Genetics Tuebingen
Classification: Uncertain significance. Last evaluated: 2023-06-01. Review status: criteria provided, single submitter. Criteria: CeGaT Center For Human Genetics Tuebingen Variant Classification Criteria Version 2. Collection method: clinical testing. Allele origin: germline. Affected: yes. Observed: 1 variant allele.
Comment: PITRM1: PM2, BP4

Labcorp Genetics (formerly Invitae), Labcorp
Classification: Uncertain significance. Last evaluated: 2022-05-11. Review status: criteria provided, single submitter. Criteria: Invitae Variant Classification Sherloc (09022015). Collection method: clinical testing. Allele origin: germline.
Comment: This sequence change replaces threonine, which is neutral and polar, with lysine, which is basic and polar, at codon 574 of the PITRM1 protein (p.Thr574Lys). This variant is present in population databases (rs760158953, gnomAD 0.04%). This variant has not been reported in the literature in individuals affected with PITRM1-related conditions. Algorithms developed to predict the effect of missense changes on protein structure and function (SIFT, PolyPhen-2, Align-GVGD) all suggest that this variant is likely to be tolerated. In summary, the available evidence is currently insufficient to determine the role of this variant in disease. Therefore, it has been classified as a Variant of Uncertain Significance.

Ambry Genetics
Classification: Uncertain significance. Last evaluated: 2021-09-21. Review status: criteria provided, single submitter. Criteria: Ambry Variant Classification Scheme 2023. Collection method: clinical testing. Allele origin: germline.